The following is an entry in ClinVar:

NM_182915.3(STEAP3):c.1241T>C (p.Val414Ala)

Gene: STEAP3 (STEAP3 metalloreductase; plus strand). Cytogenetic location: 2q14.2.
Variant type: single nucleotide variant.
Coding change: c.1241T>C on transcript NM_182915.3 (MANE Select); coding-DNA position 1241, T replaced by C.
Protein change: p.Val414Ala; replaces valine 414 with alanine.
Molecular consequence: missense variant. On other transcripts: 3 prime UTR variant (1).
Genome position (GRCh38, 1-based): chr2:119,263,082, T>C. VCF-style: chr2-119263082-T-C. GRCh37 (hg19) VCF-style: chr2-120020658-T-C.
Other names: c.1211T>C, p.Val404Ala (NM_001008410.2, NM_018234.3); c.*69T>C (NM_138637.3); short protein forms V404A, V414A.
Identifiers: ClinVar variation 3963202 (VCV003963202.2).
Genomic context (GRCh38, chr2:119,263,082, plus strand): 5'-CTCGCCCTCACTCCAGCCTTTTTTTCCCTCCACAGTCCTCACTGGGCTTTGTGGCCCTCG[T>C]GCTGAGCACACTGCACACGCTCACCTACGGCTGGACCCGCGCCTTCGAGGAGAGCCGCTA-3'
Protein context (NP_878919.2, residues 404-424): VQSSLGFVAL[Val414Ala]LSTLHTLTYG

ClinVar aggregate classification (germline): Uncertain significance. Review status: criteria provided, multiple submitters, no conflicts (2 of 4 stars). 2 submissions from 2 submitters: Uncertain significance (2). Last evaluated 2025-10-03.

gnomAD v4.1: 2 of 1,608,754 alleles (0.00012%); no homozygotes.

Submissions (2):

Labcorp Genetics (formerly Invitae), Labcorp
Classification: Uncertain significance. Last evaluated: 2025-10-03. Review status: criteria provided, single submitter. Criteria: Invitae Variant Classification Sherloc (09022015). Collection method: clinical testing. Allele origin: germline.
Comment: This sequence change replaces valine, which is neutral and non-polar, with alanine, which is neutral and non-polar, at codon 404 of the STEAP3 protein (p.Val404Ala). This variant is not present in population databases (gnomAD no frequency). This variant has not been reported in the literature in individuals affected with STEAP3-related conditions. ClinVar contains an entry for this variant (Variation ID: 3963202). An algorithm developed to predict the effect of missense changes on protein structure and function (PolyPhen-2) suggests that this variant is likely to be tolerated. In summary, the available evidence is currently insufficient to determine the role of this variant in disease. Therefore, it has been classified as a Variant of Uncertain Significance.

Ambry Genetics
Classification: Uncertain significance. Last evaluated: 2025-05-20. Review status: criteria provided, single submitter. Criteria: Ambry Variant Classification Scheme 2023. Collection method: clinical testing. Allele origin: germline.